The following is an entry in ClinVar:

ClinVar aggregate classification (germline): Uncertain significance (1 of 4 stars; one submission).

Conditions:
Oligodontia-cancer predisposition syndrome. Also called: TOOTH AGENESIS-COLORECTAL CANCER SYNDROME. Identifiers: Orphanet 300576, MedGen C1837750, MONDO:0012075, OMIM 608615. Disease mechanism: loss of function.

Allele frequency attached by ClinVar (database versions not stated): gnomAD exomes below 0.00001.
gnomAD v4.1: 1 of 1,554,840 alleles (0.000064%); highest among the groups gnomAD compares: Non-Finnish European, 0.000088%; no homozygotes.

Submission:

Labcorp Genetics (formerly Invitae), Labcorp
Classification: Uncertain significance for Oligodontia-cancer predisposition syndrome. Last evaluated: 2022-07-26. Review status: criteria provided, single submitter. Criteria: Invitae Variant Classification Sherloc (09022015). Collection method: clinical testing. Allele origin: germline.
Comment: In summary, the available evidence is currently insufficient to determine the role of this variant in disease. Therefore, it has been classified as a Variant of Uncertain Significance. Variants that disrupt the consensus splice site are a relatively common cause of aberrant splicing (PMID: 17576681, 9536098). Algorithms developed to predict the effect of sequence changes on RNA splicing suggest that this variant is not likely to affect RNA splicing. ClinVar contains an entry for this variant (Variation ID: 464609). This variant has not been reported in the literature in individuals affected with AXIN2-related conditions. This variant is not present in population databases (gnomAD no frequency). This sequence change falls in intron 10 of the AXIN2 gene. It does not directly change the encoded amino acid sequence of the AXIN2 protein. It affects a nucleotide within the consensus splice site.

Literature cited by the submitters: PubMed 17576681; PubMed 9536098.

NM_004655.4(AXIN2):c.2405+6A>G

Gene: AXIN2 (axin 2; minus strand). Cytogenetic location: 17q24.1.
Variant type: single nucleotide variant.
Coding change: c.2405+6A>G on transcript NM_004655.4 (MANE Select); 6 bases into the intron after coding-DNA position 2405, A replaced by G.
Molecular consequence: intron variant.
Genome position (GRCh38, 1-based): chr17:65,533,906, T>C on the plus strand (A>G on the coding strand, the complement: AXIN2 is on the minus strand). VCF-style: chr17-65533906-T-C. GRCh37 (hg19) VCF-style: chr17-63530024-T-C.
Other names: c.2405+6A>G (LRG_296t1); c.2210+6A>G (NM_001363813.1).
Identifiers: ClinVar variation 464609 (VCV000464609.8), dbSNP rs1555576336, ClinGen allele CA658658697.
Genomic context (GRCh38, chr17:65,533,906, plus strand): 5'-TCCAGGCTCTGGCTCTTGGTTCTGAGCAAACAAACTGAGAGCAGAAAAAAGCCACAGGAC[T>C]CTTACCTATAATTTCCCTTTTTGCTGAGCTGCTCTTTAAAGTGGCCCAGGGTCAAGCTCT-3'